The following is an entry in ClinVar:

ClinVar aggregate classification (germline): Benign/Likely benign. Review status: criteria provided, multiple submitters, no conflicts (2 of 4 stars). 4 submissions from 4 submitters: Benign (1); Likely benign (3). Last evaluated 2025-12-22.

Conditions:
Cardiomyopathy (CMYO). Also called: Cardiomyopathies. Identifiers: Orphanet 167848, MedGen C0878544, MONDO:0004994, HP:0001638. Inheritance: Various modes of inheritance.
Catecholaminergic polymorphic ventricular tachycardia 1. Also called: VENTRICULAR TACHYCARDIA, CATECHOLAMINERGIC POLYMORPHIC, 1, WITH OR WITHOUT ATRIAL DYSFUNCTION AND/OR DILATED CARDIOMYOPATHY; VENTRICULAR TACHYCARDIA, STRESS-INDUCED POLYMORPHIC 1; RYR2-Related Catecholaminergic Polymorphic Ventricular Tachycardia. Identifiers: Orphanet 3286, MedGen C1631597, MONDO:0011484, OMIM 604772.

Allele frequency attached by ClinVar (database versions not stated): gnomAD exomes 0.00001 and 0.00007; gnomAD 0.00003; TOPMed 0.00004; ExAC 0.00005.
gnomAD v4.1: 17 of 1,612,632 alleles (0.0011%); highest among the groups gnomAD compares: East Asian, 0.033%; no homozygotes.

Submissions (4):

Labcorp Genetics (formerly Invitae), Labcorp
Classification: Benign for Catecholaminergic polymorphic ventricular tachycardia 1. Last evaluated: 2025-12-22. Review status: criteria provided, single submitter. Criteria: Invitae Variant Classification Sherloc (09022015). Collection method: clinical testing. Allele origin: germline.

Blueprint Genetics
Classification: Likely benign. Last evaluated: 2019-04-15. Review status: criteria provided, single submitter. Criteria: ACMG Guidelines, 2015. Collection method: clinical testing. Allele origin: germline.

Color Diagnostics, LLC DBA Color Health
Classification: Likely benign for Cardiomyopathy. Last evaluated: 2018-11-23. Review status: criteria provided, single submitter. Criteria: ACMG Guidelines, 2015. Collection method: clinical testing. Allele origin: germline.

GeneDx
Classification: Likely benign. Last evaluated: 2018-05-21. Review status: criteria provided, single submitter. Criteria: GeneDx Variant Classification (06012015). Collection method: clinical testing. Allele origin: germline. Affected: yes.
Comment: This variant is considered likely benign or benign based on one or more of the following criteria: it is a conservative change, it occurs at a poorly conserved position in the protein, it is predicted to be benign by multiple in silico algorithms, and/or has population frequency not consistent with disease.

NM_001035.3(RYR2):c.1171-14T>G

Gene: RYR2 (ryanodine receptor 2; plus strand). Cytogenetic location: 1q43.
Variant type: single nucleotide variant.
Coding change: c.1171-14T>G on transcript NM_001035.3 (MANE Select); 14 bases into the intron before coding-DNA position 1171, T replaced by G.
Molecular consequence: intron variant.
Genome position (GRCh38, 1-based): chr1:237,445,387, T>G. VCF-style: chr1-237445387-T-G. GRCh37 (hg19) VCF-style: chr1-237608687-T-G.
Identifiers: ClinVar variation 668523 (VCV000668523.8), dbSNP rs751389436, ClinGen allele CA085032.